The following is an entry in ClinVar:

NM_000016.6(ACADM):c.104del (p.Gly34_Leu35insTer)

Gene: ACADM (acyl-CoA dehydrogenase medium chain; plus strand). Cytogenetic location: 1p31.1.
Variant type: Deletion.
Coding change: c.104del on transcript NM_000016.6 (MANE Select); coding-DNA position 104, one base deleted (T; older notation c.104delT).
Protein change: p.Gly34_Leu35insTer.
Molecular consequence: nonsense. On other transcripts: intron variant (2).
Genome position (GRCh38, 1-based): chr1:75,728,474, T deleted; the last of 2 consecutive T bases (chr1:75,728,473-75,728,474); deleting either gives the same sequence. VCF-style (leftmost placement, unchanged base first): chr1-75728472-AT-A. GRCh37 (hg19) VCF-style: chr1-76194157-AT-A.
Other names: c.116del, p.Gly38_Leu39insTer (NM_001127328.3); c.104del, p.Gly34_Leu35insTer (NM_001286043.2); c.10+3657del (NM_001286042.2); c.-268+3657del (NM_001286044.2).
Identifiers: ClinVar variation 4818501 (VCV004818501.1).
Genomic context (GRCh38, chr1:75,728,472, plus strand): 5'-TATTTCTCGTTTTCATTGGAGATCACAGCATACAAAAGCCAATCGACAACGTGAACCAGG[AT>A]TAGGATTTAGTTTTGGTATATGTTCGGTTCTATCTTTTGACTTTAAACTTATACATATGA-3'

ClinVar aggregate classification (germline): Likely pathogenic (1 of 4 stars; one submission).

Conditions:
Medium-chain acyl-coenzyme A dehydrogenase deficiency (ACADMD). Also called: ACADM DEFICIENCY; CARNITINE DEFICIENCY SECONDARY TO MEDIUM-CHAIN ACYL-CoA DEHYDROGENASE DEFICIENCY; Medium chain acyl-CoA dehydrogenase deficiency; MCADH DEFICIENCY; MCADD; MCAD Deficiency. Identifiers: Orphanet 42, MedGen C0220710, MONDO:0008721, OMIM 201450.

Submission:

Natera, Inc.
Classification: Likely pathogenic for Medium Chain Acyl-CoA Dehydrogenase Deficiency. Last evaluated: 2026-01-05. Review status: criteria provided, single submitter. Criteria: Natera Variant Classification Schema (03/2026). Collection method: clinical testing. Allele origin: germline.
Comment: The c.104delT variant in ACADM is a frameshift variant predicted to shift the reading frame and introduce a stop codon. This variant is expected to result in nonsense mediated decay, truncation, or a dysfunctional protein product. This variant is rare in the general population with a frequency below the threshold expected for the associated phenotype(s). Given the available evidence, this variant is classified as Likely Pathogenic.